The following is an entry in ClinVar:

ClinVar aggregate classification (germline): Uncertain significance (1 of 4 stars; one submission).

Submission:

Labcorp Genetics (formerly Invitae), Labcorp
Classification: Uncertain significance. Last evaluated: 2022-12-03. Review status: criteria provided, single submitter. Criteria: Invitae Variant Classification Sherloc (09022015). Collection method: clinical testing. Allele origin: germline.
Comment: This variant, c.759_761del, is a complex sequence change that results in the deletion of 2 and insertion of 1 amino acid(s) in the SIAE protein (p.Lys253_His254delinsAsn). This variant is not present in population databases (gnomAD no frequency). This variant has not been reported in the literature in individuals affected with SIAE-related conditions. Experimental studies and prediction algorithms are not available or were not evaluated, and the functional significance of this variant is currently unknown. In summary, the available evidence is currently insufficient to determine the role of this variant in disease. Therefore, it has been classified as a Variant of Uncertain Significance.

NM_170601.5(SIAE):c.759_761del (p.Lys253_His254delinsAsn)

Gene: SIAE (sialic acid acetylesterase; minus strand). Cytogenetic location: 11q24.2.
Variant type: Deletion.
Coding change: c.759_761del on transcript NM_170601.5 (MANE Select); coding-DNA positions 759 to 761, 3 bases deleted (GCA; older notation c.759_761delGCA).
Protein change: p.Lys253_His254delinsAsn.
Molecular consequence: inframe indel.
Genome position (GRCh38, 1-based): chr11:124,648,137-124,648,139, TGC deleted on the plus strand (GCA on the coding strand, the reverse complement: SIAE is on the minus strand); deleting any 3 consecutive bases within chr11:124,648,137-124,648,140 gives the same sequence; the c. name uses the placement nearest the transcript's 3' end. VCF-style (leftmost placement, unchanged base first): chr11-124648136-GTGC-G. GRCh37 (hg19) VCF-style: chr11-124518032-GTGC-G.
Other names: c.654_656del, p.Lys218_His219delinsAsn (NM_001199922.2).
Identifiers: ClinVar variation 2818146 (VCV002818146.3), dbSNP rs2496902496, ClinGen allele CA2739271787.
Genomic context (GRCh38, chr11:124,648,136, plus strand): 5'-TACTACCCCTTTCAGAGTCATATTGCACAGTGGATGGATCATGGCATTCCAGAGAACAGA[GTGC>G]TTACTGGGACCAGTTACAGAATCGTATGGAATGGACCTGAAATCATATGATGCACAAGTG-3'